The following is an entry in ClinVar:

ClinVar aggregate classification (germline): Uncertain significance. Review status: criteria provided, multiple submitters, no conflicts (2 of 4 stars). 3 submissions from 3 submitters: Uncertain significance (3). Last evaluated 2024-09-26.

Conditions:
Inborn genetic diseases. Identifiers: MedGen C0950123, MeSH D030342.
Combined oxidative phosphorylation defect type 27. Also called: Combined oxidative phosphorylation deficiency 27. Identifiers: Orphanet 477774, MedGen C5567608, MONDO:0014728, OMIM 616672.

Allele frequency attached by ClinVar (database versions not stated): gnomAD exomes 0.00004 and 0.00015; TOPMed 0.00004; ExAC 0.00007; gnomAD 0.00007; ESP Exome Variant Server 0.00008.
gnomAD v4.1: 230 of 1,604,522 alleles (0.014%); highest among the groups gnomAD compares: Non-Finnish European, 0.019%; no homozygotes.

Submissions (3):

Ambry Genetics
Classification: Uncertain significance for Inborn genetic diseases. Last evaluated: 2024-09-26. Review status: criteria provided, single submitter. Criteria: Ambry Variant Classification Scheme 2023. Collection method: clinical testing. Allele origin: germline.

Blueprint Genetics
Classification: Uncertain significance. Last evaluated: 2023-05-31. Review status: criteria provided, single submitter. Criteria: ACMG Guidelines, 2015. Collection method: clinical testing. Allele origin: germline.

Labcorp Genetics (formerly Invitae), Labcorp
Classification: Uncertain significance for Combined oxidative phosphorylation defect type 27. Last evaluated: 2022-09-27. Review status: criteria provided, single submitter. Criteria: Invitae Variant Classification Sherloc (09022015). Collection method: clinical testing. Allele origin: germline.
Comment: This sequence change replaces glycine, which is neutral and non-polar, with arginine, which is basic and polar, at codon 247 of the CARS2 protein (p.Gly247Arg). This variant is present in population databases (rs372177940, gnomAD 0.01%). This variant has not been reported in the literature in individuals affected with CARS2-related conditions. ClinVar contains an entry for this variant (Variation ID: 839515). Advanced modeling of protein sequence and biophysical properties (such as structural, functional, and spatial information, amino acid conservation, physicochemical variation, residue mobility, and thermodynamic stability) performed at Invitae indicates that this missense variant is expected to disrupt CARS2 protein function. In summary, the available evidence is currently insufficient to determine the role of this variant in disease. Therefore, it has been classified as a Variant of Uncertain Significance.

NM_024537.4(CARS2):c.739G>A (p.Gly247Arg)

Gene: CARS2 (cysteinyl-tRNA synthetase 2, mitochondrial; minus strand). Cytogenetic location: 13q34.
Variant type: single nucleotide variant.
Coding change: c.739G>A on transcript NM_024537.4 (MANE Select); coding-DNA position 739, G replaced by A.
Protein change: p.Gly247Arg; replaces glycine 247 with arginine.
Molecular consequence: missense variant. On other transcripts: 5 prime UTR variant (1), non-coding transcript variant (2).
Genome position (GRCh38, 1-based): chr13:110,677,020, C>T on the plus strand (G>A on the coding strand, the complement: CARS2 is on the minus strand). VCF-style: chr13-110677020-C-T. GRCh37 (hg19) VCF-style: chr13-111329367-C-T.
Other names: c.739G>A (NM_024537.2); c.-48G>A (NM_001352252.2); c.739G>A, p.Gly247Arg (NM_001352253.3); short protein forms G247R.
Identifiers: ClinVar variation 839515 (VCV000839515.9), dbSNP rs372177940, ClinGen allele CA7052097.